The following is an entry in ClinVar:

NM_000525.4(KCNJ11):c.463G>A (p.Val155Met)

Gene: KCNJ11 (potassium inwardly rectifying channel subfamily J member 11; minus strand). Cytogenetic location: 11p15.1.
Variant type: single nucleotide variant.
Coding change: c.463G>A on transcript NM_000525.4 (MANE Select); coding-DNA position 463, G replaced by A.
Protein change: p.Val155Met; replaces valine 155 with methionine.
Molecular consequence: missense variant.
Genome position (GRCh38, 1-based): chr11:17,387,629, C>T on the plus strand (G>A on the coding strand, the complement: KCNJ11 is on the minus strand). VCF-style: chr11-17387629-C-T. GRCh37 (hg19) VCF-style: chr11-17409176-C-T.
Other names: c.202G>A, p.Val68Met (NM_001166290.2, NM_001377296.1, NM_001377297.1); short protein forms V155M, V68M.
Identifiers: ClinVar variation 158675 (VCV000158675.12), dbSNP rs587783668, ClinGen allele CA172326.
Genomic context (GRCh38, chr11:17,387,629, plus strand): 5'-GGGCTTGGGCAGTCTTCATGAAGATGCAGCCAAGCATGATGGCGTTGATCATGAGCCCCA[C>T]GATGTTCTGCACGATGAGGATCAGGATGGCCAGTGGGCACTCCTCAGTCACCATGCGCCC-3'
Protein context (NP_000516.3, residues 145-165): AILILIVQNI[Val155Met]GLMINAIMLG

ClinVar aggregate classification (germline): Uncertain significance. Review status: criteria provided, multiple submitters, no conflicts (2 of 4 stars). 6 submissions from 6 submitters: Uncertain significance (4). 2 of the submissions do not count toward it. Last evaluated 2021-09-24.

Conditions:
Diabetes mellitus. Also called: Diabetes mellitus (disease). Identifiers: MedGen C0011849, MONDO:0005015, HP:0000819.
Diabetes mellitus, transient neonatal, 3 (TNDM3). Identifiers: Orphanet 99886, MedGen C1864623, MONDO:0012522, OMIM 610582. Disease mechanism: loss of function.
Permanent neonatal diabetes mellitus 1. Also called: GCK-Related Permanent Neonatal Diabetes Mellitus. Identifiers: MedGen C5393570, MONDO:0100165, OMIM 606176.
Hyperinsulinemic hypoglycemia, familial, 2. Also called: HYPERINSULINEMIC HYPOGLYCEMIA, PERSISTENT; HYPERINSULINISM, NEONATAL. Identifiers: Orphanet 276580, Orphanet 276603, MedGen C2931833, MONDO:0011153, OMIM 601820. Disease mechanism: loss of function.
Maturity-onset diabetes of the young type 13. Also called: MODY, TYPE 13. Identifiers: Orphanet 552, MedGen C4225365, MONDO:0014589, OMIM 616329.
Type 2 diabetes mellitus. Also called: Type II diabetes mellitus. Identifiers: MedGen C0011860, MeSH D003924, MONDO:0005148, OMIM 125853, HP:0005978.
Diabetes mellitus, permanent neonatal 2. Also called: KCNJ11-Related Permanent Neonatal Diabetes Mellitus. Identifiers: MedGen C5394296, MONDO:0030087, OMIM 618856.
Maturity-onset diabetes of the young (MODY). Also called: Maturity onset diabetes mellitus in young. Identifiers: Orphanet 552, MedGen C0342276, MONDO:0018911, HP:0004904.
Permanent neonatal diabetes mellitus (PNDM). Identifiers: Orphanet 99885, MedGen C1833104, MONDO:0100164, MONDO:0011643. Disease mechanism: gain of function.

Allele frequency attached by ClinVar (database versions not stated): TOPMed below 0.00001; ExAC 0.00001; gnomAD 0.00001; gnomAD exomes 0.00001.

Submissions (6):

Labcorp Genetics (formerly Invitae), Labcorp
Classification: Uncertain significance. Last evaluated: 2021-09-24. Review status: criteria provided, single submitter. Criteria: Invitae Variant Classification Sherloc (09022015). Collection method: clinical testing. Allele origin: germline.
Comment: This sequence change replaces valine with methionine at codon 155 of the KCNJ11 protein (p.Val155Met). The valine residue is highly conserved and there is a small physicochemical difference between valine and methionine. This variant is present in population databases (rs587783668, ExAC 0.002%). This variant has not been reported in the literature in individuals with KCNJ11-related conditions. ClinVar contains an entry for this variant (Variation ID: 158675). Algorithms developed to predict the effect of missense changes on protein structure and function are either unavailable or do not agree on the potential impact of this missense change (SIFT: "Deleterious"; PolyPhen-2: "Possibly Damaging"; Align-GVGD: "Class C0"). In summary, the available evidence is currently insufficient to determine the role of this variant in disease. Therefore, it has been classified as a Variant of Uncertain Significance.

Fulgent Genetics
Classification: Uncertain significance for Type 2 diabetes mellitus; Hyperinsulinemic hypoglycemia, familial, 2; Diabetes mellitus, transient neonatal, 3; Maturity-onset diabetes of the young type 13; Diabetes mellitus, permanent neonatal 2. Last evaluated: 2021-07-07. Review status: criteria provided, single submitter. Criteria: ACMG Guidelines, 2015. Collection method: clinical testing. Allele origin: unknown.

Genetic Services Laboratory, University of Chicago
Classification: Uncertain significance for Diabetes mellitus. Last evaluated: 2013-02-08. Review status: criteria provided, single submitter. Criteria: ACMG Guidelines, 2007. Collection method: clinical testing. Allele origin: germline. Inheritance: Autosomal unknown.

Clinical Genomics, Uppaluri K&H Personalized Medicine Clinic
Classification: Uncertain significance for Maturity-onset diabetes of the young. Review status: criteria provided, single submitter. Criteria: K & H Uppaluri Personalized Medicine Clinic Variant Classification & Assertion Criteria_Updated V.1. Collection method: research. Allele origin: somatic. Inheritance: Autosomal dominant inheritance.
Comment: Mutations in KCNJ11 gene can cause decreased production and secretion of insulin. This can lead to MODY which may be responsive to oral sulfonylureas. It is also associated with Neonatal Diabetes.However, this particular variant (rs587783668) association with MODY remains uncertain. More studies are required to ascertain its role in MODY.

Natera, Inc.
Classification: Uncertain significance for Permanent neonatal diabetes mellitus. Last evaluated: 2020-04-13. Review status: no assertion criteria provided. Collection method: clinical testing. Allele origin: germline. Not counted in ClinVar's aggregate classification.

Counsyl
Classification: Uncertain significance for Hyperinsulinemic hypoglycemia, familial, 2; Permanent neonatal diabetes mellitus 1; Diabetes mellitus, transient neonatal, 3. Last evaluated: 2017-01-19. Review status: no assertion criteria provided. Collection method: clinical testing. Allele origin: unknown. Not counted in ClinVar's aggregate classification.

Literature cited by the submitters: PubMed 32027066 (cited by Clinical Genomics, Uppaluri K&H Personalized Medicine Clinic).